The following is an entry in ClinVar:

ClinVar aggregate classification (germline): Uncertain significance (1 of 4 stars; one submission).

Allele frequency attached by ClinVar (database versions not stated): ExAC 0.00002; gnomAD 0.00002 and 0.00003; gnomAD exomes 0.00004; 1000 Genomes Project 30x 0.00016; 1000 Genomes Project 0.00020.
gnomAD v4.1: 58 of 1,613,992 alleles (0.0036%); highest among the groups gnomAD compares: South Asian, 0.0044%; no homozygotes.

Submission:

Labcorp Genetics (formerly Invitae), Labcorp
Classification: Uncertain significance. Last evaluated: 2021-11-17. Review status: criteria provided, single submitter. Criteria: Invitae Variant Classification Sherloc (09022015). Collection method: clinical testing. Allele origin: germline.
Comment: In summary, the available evidence is currently insufficient to determine the role of this variant in disease. Therefore, it has been classified as a Variant of Uncertain Significance. Algorithms developed to predict the effect of missense changes on protein structure and function (SIFT, PolyPhen-2, Align-GVGD) all suggest that this variant is likely to be tolerated. This variant has not been reported in the literature in individuals affected with SORL1-related conditions. This variant is present in population databases (rs544390676, gnomAD 0.01%). This sequence change replaces proline, which is neutral and non-polar, with leucine, which is neutral and non-polar, at codon 1481 of the SORL1 protein (p.Pro1481Leu).

NM_003105.6(SORL1):c.4442C>T (p.Pro1481Leu)

Genes: SORL1 (sortilin related receptor 1; plus strand), LOC126861368 (P300/CBP strongly-dependent group 1 enhancer GRCh37_chr11:121465964-121467163; plus strand). Cytogenetic location: 11q24.1.
Variant type: single nucleotide variant.
Coding change: c.4442C>T on transcript NM_003105.6 (MANE Select); coding-DNA position 4442, C replaced by T.
Protein change: p.Pro1481Leu; replaces proline 1481 with leucine.
Molecular consequence: missense variant.
Genome position (GRCh38, 1-based): chr11:121,595,695, C>T. VCF-style: chr11-121595695-C-T. GRCh37 (hg19) VCF-style: chr11-121466404-C-T.
Other names: short protein forms P1481L.
Identifiers: ClinVar variation 1398575 (VCV001398575.6), dbSNP rs544390676, ClinGen allele CA6329627.